The following is an entry in ClinVar:

NM_152263.4(TPM3):c.118-3T>C

Gene: TPM3 (tropomyosin 3; minus strand). Cytogenetic location: 1q21.3.
Variant type: single nucleotide variant.
Coding change: c.118-3T>C on transcript NM_152263.4 (MANE Select); 3 bases into the intron before coding-DNA position 118, T replaced by C.
Molecular consequence: intron variant.
Genome position (GRCh38, 1-based): chr1:154,191,314, A>G on the plus strand (T>C on the coding strand, the complement: TPM3 is on the minus strand). VCF-style: chr1-154191314-A-G. GRCh37 (hg19) VCF-style: chr1-154163790-A-G.
Other names: c.118-3T>C (NM_001364679.2, NM_001364681.2, NM_001364680.2 and 1 more transcripts).
Identifiers: ClinVar variation 1491406 (VCV001491406.11), dbSNP rs375206251, ClinGen allele CA1125816.

ClinVar aggregate classification (germline): Conflicting classifications of pathogenicity. Review status: criteria provided, conflicting classifications (1 of 4 stars). 3 submissions from 3 submitters: Uncertain significance (2); Likely benign (1). Last evaluated 2026-01-01.

Conditions:
Congenital myopathy 4B, autosomal recessive. Also called: Nemaline myopathy 1, autosomal dominant or recessive. Identifiers: Orphanet 171433, Orphanet 171439, Orphanet 171881, MedGen C5829889, MONDO:0012239, OMIM 609284.
Congenital myopathy with fiber type disproportion. Also called: Congenital fiber-type disproportion; Congenital fiber-type disproportion myopathy. Identifiers: Orphanet 2020, MedGen C0546264, MONDO:0009711. Inheritance: all.

Allele frequency attached by ClinVar (database versions not stated): ESP Exome Variant Server 0.00008.
gnomAD v4.1: 47 of 1,613,944 alleles (0.0029%); highest among the groups gnomAD compares: Admixed American, 0.0067%; no homozygotes.

Submissions (3):

CeGaT Center for Human Genetics Tuebingen
Classification: Uncertain significance. Last evaluated: 2026-01-01. Review status: criteria provided, single submitter. Criteria: CeGaT Center For Human Genetics Tuebingen Variant Classification Criteria Version 2. Collection method: clinical testing. Allele origin: germline. Affected: yes. Observed: 1 variant allele.
Comment: TPM3: PM2, BP4

Labcorp Genetics (formerly Invitae), Labcorp
Classification: Uncertain significance for Congenital myopathy with fiber type disproportion; Congenital myopathy 4B, autosomal recessive. Last evaluated: 2025-09-08. Review status: criteria provided, single submitter. Criteria: Invitae Variant Classification Sherloc (09022015). Collection method: clinical testing. Allele origin: germline.
Comment: This sequence change falls in intron 1 of the TPM3 gene. It does not directly change the encoded amino acid sequence of the TPM3 protein. It affects a nucleotide within the consensus splice site. This variant is present in population databases (rs375206251, gnomAD 0.009%). This variant has not been reported in the literature in individuals affected with TPM3-related conditions. ClinVar contains an entry for this variant (Variation ID: 1491406). Variants that disrupt the consensus splice site are a relatively common cause of aberrant splicing (PMID: 17576681, 9536098). Algorithms developed to predict the effect of sequence changes on RNA splicing suggest that this variant is not likely to affect RNA splicing. In summary, the available evidence is currently insufficient to determine the role of this variant in disease. Therefore, it has been classified as a Variant of Uncertain Significance.

Blueprint Genetics
Classification: Likely benign. Last evaluated: 2021-08-27. Review status: criteria provided, single submitter. Criteria: ACMG Guidelines, 2015. Collection method: clinical testing. Allele origin: germline.

Literature cited by the submitters: PubMed 17576681 (cited by Labcorp Genetics (formerly Invitae), Labcorp); PubMed 9536098 (cited by Labcorp Genetics (formerly Invitae), Labcorp).